The following is an entry in ClinVar:

NM_152744.4(SDK1):c.3745G>C (p.Glu1249Gln)

Gene: SDK1 (sidekick cell adhesion molecule 1; plus strand). Cytogenetic location: 7p22.2.
Variant type: single nucleotide variant.
Coding change: c.3745G>C on transcript NM_152744.4 (MANE Select); coding-DNA position 3745, G replaced by C.
Protein change: p.Glu1249Gln; replaces glutamic acid 1249 with glutamine.
Molecular consequence: missense variant.
Genome position (GRCh38, 1-based): chr7:4,114,196, G>C. VCF-style: chr7-4114196-G-C. GRCh37 (hg19) VCF-style: chr7-4153828-G-C.
Other names: short protein forms E1249Q.
Identifiers: ClinVar variation 2657248 (VCV002657248.24), dbSNP rs141814484, ClinGen allele CA4134764.

ClinVar aggregate classification (germline): Likely benign (1 of 4 stars; one submission).

Allele frequency attached by ClinVar (database versions not stated): ESP Exome Variant Server 0.00269; gnomAD 0.00275; TOPMed 0.00315; 1000 Genomes Project 0.00399; 1000 Genomes Project 30x 0.00500.
gnomAD v4.1: 848 of 1,614,006 alleles (0.053%); highest among the groups gnomAD compares: African/African-American, 0.98%; 3 homozygotes.

Submission:

CeGaT Center for Human Genetics Tuebingen
Classification: Likely benign. Last evaluated: 2022-09-01. Review status: criteria provided, single submitter. Criteria: CeGaT Center For Human Genetics Tuebingen Variant Classification Criteria Version 2. Collection method: clinical testing. Allele origin: germline. Affected: yes. Observed: 1 variant allele.
Comment: SDK1: BP4, BS2